The following is an entry in ClinVar:

ClinVar aggregate classification (germline): Uncertain significance (1 of 4 stars; one submission).

Conditions:
Cardiovascular phenotype. Identifiers: MedGen CN230736.

Submission:

Ambry Genetics
Classification: Uncertain significance for Cardiovascular phenotype. Last evaluated: 2022-08-08. Review status: criteria provided, single submitter. Criteria: Ambry Variant Classification Scheme 2023. Collection method: clinical testing. Allele origin: germline.
Comment: The p.Q384R variant (also known as c.1151A>G), located in coding exon 10 of the APOB gene, results from an A to G substitution at nucleotide position 1151. The glutamine at codon 384 is replaced by arginine, an amino acid with highly similar properties. This amino acid position is conserved. In addition, the in silico prediction for this alteration is inconclusive. Since supporting evidence is limited at this time, the clinical significance of this alteration remains unclear.

NM_000384.3(APOB):c.1151A>G (p.Gln384Arg)

Gene: APOB (apolipoprotein B; minus strand). Cytogenetic location: 2p24.1.
Variant type: single nucleotide variant.
Coding change: c.1151A>G on transcript NM_000384.3 (MANE Select); coding-DNA position 1151, A replaced by G.
Protein change: p.Gln384Arg; replaces glutamine 384 with arginine.
Molecular consequence: missense variant.
Genome position (GRCh38, 1-based): chr2:21,032,555, T>C on the plus strand (A>G on the coding strand, the complement: APOB is on the minus strand). VCF-style: chr2-21032555-T-C. GRCh37 (hg19) VCF-style: chr2-21255427-T-C.
Other names: short protein forms Q384R.
Identifiers: ClinVar variation 1734095 (VCV001734095.2), dbSNP rs2465433113, ClinGen allele CA345958450.